The following is an entry in ClinVar:

ClinVar aggregate classification (germline): Uncertain significance. Review status: criteria provided, multiple submitters, no conflicts (2 of 4 stars). 2 submissions from 2 submitters: Uncertain significance (2). Last evaluated 2019-09-05.

Conditions:
Hereditary spastic paraplegia 54. Also called: Spastic paraplegia 54, autosomal recessive. Identifiers: Orphanet 320380, MedGen C3539495, MONDO:0014018, OMIM 615033.

Allele frequency attached by ClinVar (database versions not stated): TOPMed below 0.00001; gnomAD 0.00001; gnomAD exomes 0.00001 and 0.00002; ESP Exome Variant Server 0.00008.
gnomAD v4.1: 11 of 1,611,780 alleles (0.00068%); highest among the groups gnomAD compares: African/African-American, 0.0013%; no homozygotes.

Submissions (2):

Labcorp Genetics (formerly Invitae), Labcorp
Classification: Uncertain significance for Hereditary spastic paraplegia 54. Last evaluated: 2019-09-05. Review status: criteria provided, single submitter. Criteria: Invitae Variant Classification Sherloc (09022015). Collection method: clinical testing. Allele origin: germline.
Comment: In summary, the available evidence is currently insufficient to determine the role of this variant in disease. Therefore, it has been classified as a Variant of Uncertain Significance. Algorithms developed to predict the effect of missense changes on protein structure and function are either unavailable or do not agree on the potential impact of this missense change (SIFT: "Deleterious"; PolyPhen-2: "Probably Damaging"; Align-GVGD: "Class C0"). This variant has not been reported in the literature in individuals with DDHD2-related conditions. This variant is not present in population databases (ExAC no frequency). This sequence change replaces arginine with tryptophan at codon 98 of the DDHD2 protein (p.Arg98Trp). The arginine residue is moderately conserved and there is a moderate physicochemical difference between arginine and tryptophan.

Consultorio y Laboratorio de Neurogenética, Hospital JM Ramos Mejia
Classification: Uncertain significance for Hereditary spastic paraplegia 54. Review status: criteria provided, single submitter. Criteria: Perez et al. (J Hum Genet. 2020). Collection method: clinical testing. Allele origin: unknown. Inheritance: Autosomal recessive inheritance. Affected: yes. Observed: 1 heterozygote.

NM_015214.3(DDHD2):c.292C>T (p.Arg98Trp)

Gene: DDHD2 (DDHD domain containing 2; plus strand). Cytogenetic location: 8p11.23.
Variant type: single nucleotide variant.
Coding change: c.292C>T on transcript NM_015214.3 (MANE Select); coding-DNA position 292, C replaced by T.
Protein change: p.Arg98Trp; replaces arginine 98 with tryptophan.
Molecular consequence: missense variant. On other transcripts: non-coding transcript variant (2).
Genome position (GRCh38, 1-based): chr8:38,234,465, C>T. VCF-style: chr8-38234465-C-T. GRCh37 (hg19) VCF-style: chr8-38091983-C-T.
Other names: c.292C>T, p.Arg98Trp (NM_001164232.2, NM_001164234.2, NM_001362911.2 and 3 more transcripts); short protein forms R98W.
Identifiers: ClinVar variation 935989 (VCV000935989.9), dbSNP rs372220151, ClinGen allele CA175109143.